The following is an entry in ClinVar:

NM_000352.6(ABCC8):c.3399+1G>A

Gene: ABCC8 (ATP binding cassette subfamily C member 8; minus strand). Cytogenetic location: 11p15.1.
Variant type: single nucleotide variant.
Coding change: c.3399+1G>A on transcript NM_000352.6 (MANE Select); the canonical splice donor site of the intron after coding-DNA position 3399, G replaced by A.
Molecular consequence: splice donor variant.
Genome position (GRCh38, 1-based): chr11:17,405,493, C>T on the plus strand (G>A on the coding strand, the complement: ABCC8 is on the minus strand). VCF-style: chr11-17405493-C-T. GRCh37 (hg19) VCF-style: chr11-17427040-C-T.
Other names: c.3396+1G>A (NM_001351297.2); c.3399+1G>A (NM_001351296.2); c.3465+1G>A (NM_001351295.2); c.3402+1G>A (NM_001287174.3).
Identifiers: ClinVar variation 553787 (VCV000553787.4), dbSNP rs1554911369, ClinGen allele CA379799996.

ClinVar aggregate classification (germline): Conflicting classifications of pathogenicity. Review status: criteria provided, conflicting classifications (1 of 4 stars). 4 submissions from 3 submitters: Likely pathogenic (1); Uncertain significance (2). 1 of the submissions does not count toward it. Last evaluated 2023-04-17.

Conditions:
Hyperinsulinemic hypoglycemia, familial, 1 (HHF1). Also called: HYPERINSULINISM, FAMILIAL, WITH PANCREATIC NESIDIOBLASTOSIS; HYPOGLYCEMIA, HYPERINSULINEMIC, OF INFANCY; Persistent hyperinsulinemic hypoglycemia of infancy; NESIDIOBLASTOSIS OF PANCREAS; Persistent Hyperinsulinemia Hypoglycemia of Infancy. Identifiers: Orphanet 276575, Orphanet 276598, MedGen C2931832, MONDO:0009734, OMIM 256450.
Type 2 diabetes mellitus. Also called: Type II diabetes mellitus. Identifiers: MedGen C0011860, MeSH D003924, MONDO:0005148, OMIM 125853, HP:0005978.
Transitory neonatal diabetes mellitus. Also called: Transient neonatal diabetes mellitus. Identifiers: MedGen C0342273, MONDO:0020525, HP:0008255.
Maturity-onset diabetes of the young (MODY). Also called: Maturity onset diabetes mellitus in young. Identifiers: Orphanet 552, MedGen C0342276, MONDO:0018911, HP:0004904.

Submissions (4):

Baylor Genetics
Classification: Likely pathogenic for Type 2 diabetes mellitus. Last evaluated: 2023-04-17. Review status: criteria provided, single submitter. Criteria: ACMG Guidelines, 2015. Collection method: clinical testing. Allele origin: unknown.

Clinical Genomics, Uppaluri K&H Personalized Medicine Clinic
Classification: Uncertain significance for Transitory neonatal diabetes mellitus. Review status: criteria provided, single submitter. Criteria: K & H Uppaluri Personalized Medicine Clinic Variant Classification & Assertion Criteria_Updated V.1. Collection method: research. Allele origin: somatic. Inheritance: Somatic mutation.
Comment: Mutations in ABCC8 gene are associated with both neonatal diabetes mellitus as well as MODY. Patients with this mutation may have a better response to sulfonylureas. However, no sufficient evidence is found to ascertain the role of this particular variant ( rs1554911369) in neonatal diabetes yet.

Clinical Genomics, Uppaluri K&H Personalized Medicine Clinic
Classification: Uncertain significance for Maturity-onset diabetes of the young. Review status: criteria provided, single submitter. Criteria: K & H Uppaluri Personalized Medicine Clinic Variant Classification & Assertion Criteria_Updated V.1. Collection method: research. Allele origin: somatic. Inheritance: Somatic mutation.
Comment: Mutations in ABCC8 gene are associated with both neonatal diabetes mellitus as well as MODY. Patients with this mutation may have a better response to sulfonylureas. However, no sufficient evidence is found to ascertain the role of this particular variant ( rs1554911369) in MODY yet.

Counsyl
Classification: Likely pathogenic for Hyperinsulinemic hypoglycemia, familial, 1. Last evaluated: 2017-11-14. Review status: no assertion criteria provided. Collection method: clinical testing. Allele origin: unknown. Not counted in ClinVar's aggregate classification.

Literature cited by the submitters: PubMed 16885549 (cited by Clinical Genomics, Uppaluri K&H Personalized Medicine Clinic); PubMed 21989597 (cited by Clinical Genomics, Uppaluri K&H Personalized Medicine Clinic); PubMed 27538677 (cited by Clinical Genomics, Uppaluri K&H Personalized Medicine Clinic); PubMed 18981553 (cited by Clinical Genomics, Uppaluri K&H Personalized Medicine Clinic); PubMed 32027066 (cited by Clinical Genomics, Uppaluri K&H Personalized Medicine Clinic); PubMed 16613899 (cited by Clinical Genomics, Uppaluri K&H Personalized Medicine Clinic); PubMed 18025408 (cited by Clinical Genomics, Uppaluri K&H Personalized Medicine Clinic); PubMed 32792356 (cited by Clinical Genomics, Uppaluri K&H Personalized Medicine Clinic).